The following is an entry in ClinVar:

ClinVar aggregate classification (germline): Likely benign (1 of 4 stars; one submission).

gnomAD v4.1: 7 of 1,613,764 alleles (0.00043%); highest among the groups gnomAD compares: Non-Finnish European, 0.00051%; no homozygotes.

Submission:

CeGaT Center for Human Genetics Tuebingen
Classification: Likely benign. Last evaluated: 2022-04-01. Review status: criteria provided, single submitter. Criteria: CeGaT Center For Human Genetics Tuebingen Variant Classification Criteria Version 2. Collection method: clinical testing. Allele origin: germline. Affected: yes. Observed: 1 variant allele.
Comment: PCDHA13: BP4, BP7

NM_018904.3(PCDHA13):c.2164C>A (p.Arg722=)

Genes: PCDHA1 (protocadherin alpha 1; plus strand), PCDHA10 (protocadherin alpha 10; plus strand), PCDHA11 (protocadherin alpha 11; plus strand), PCDHA12 (protocadherin alpha 12; plus strand), PCDHA13 (protocadherin alpha 13; plus strand) and 9 more. Cytogenetic location: 5q31.3.
Variant type: single nucleotide variant.
Coding change: c.2164C>A on transcript NM_018904.3 (MANE Select); coding-DNA position 2164, C replaced by A.
Protein change: p.Arg722=; no amino-acid change (arginine 722 retained).
Molecular consequence: synonymous variant. On other transcripts: intron variant (15).
Genome position (GRCh38, 1-based): chr5:140,884,432, C>A. VCF-style: chr5-140884432-C-A. GRCh37 (hg19) VCF-style: chr5-140264017-C-A.
Other names: c.2164C>A, p.Arg722= (NM_031865.2); c.2395-94517C>A (NM_018900.4); c.1603-94517C>A (NM_031411.3); c.2388+87080C>A (NM_018905.3); c.2394+80841C>A (NM_018906.3); c.2385+74860C>A (NM_018907.4); c.2352+60305C>A (NM_018908.3); c.2394+53947C>A (NM_018909.4); and 8 more.
Identifiers: ClinVar variation 2655800 (VCV002655800.24), dbSNP rs782413139, ClinGen allele CA446825844.